The following is an entry in ClinVar:

NM_000540.3(RYR1):c.8743G>A (p.Glu2915Lys)

Gene: RYR1 (ryanodine receptor 1; plus strand). Cytogenetic location: 19q13.2.
Variant type: single nucleotide variant.
Coding change: c.8743G>A on transcript NM_000540.3 (MANE Select); coding-DNA position 8743, G replaced by A.
Protein change: p.Glu2915Lys; replaces glutamic acid 2915 with lysine.
Molecular consequence: missense variant.
Genome position (GRCh38, 1-based): chr19:38,506,879, G>A. VCF-style: chr19-38506879-G-A. GRCh37 (hg19) VCF-style: chr19-38997519-G-A.
Other names: c.8743G>A, p.Glu2915Lys (NM_001042723.2); short protein forms E2915K.
Identifiers: ClinVar variation 1000444 (VCV001000444.9), dbSNP rs1970479129, ClinGen allele CA405680991.

ClinVar aggregate classification (germline): Uncertain significance. Review status: criteria provided, multiple submitters, no conflicts (2 of 4 stars). 2 submissions from 2 submitters: Uncertain significance (2). Last evaluated 2023-06-27.

Conditions:
Malignant hyperthermia, susceptibility to, 1 (MHS1). Also called: RYR1-Related Malignant Hyperthermia Susceptibility; Anesthesia related hyperthermia; Malignant hyperpyrexia; Fulminating hyperpyrexia; Pharmacogenic myopathy; Malignant hyperthermia suceptibility 1. Identifiers: Orphanet 423, MedGen C2930980, MONDO:0007783, OMIM 145600.
RYR1-related disorder. Also called: RYR1-related disorders; RYR1-related condition. Identifiers: MedGen CN239331.

Allele frequency attached by ClinVar (database versions not stated): gnomAD exomes below 0.00001.
gnomAD v4.1: 1 of 1,613,896 alleles (0.000062%); highest among the groups gnomAD compares: Non-Finnish European, 0.000085%; no homozygotes.

Submissions (2):

Baylor Genetics
Classification: Uncertain significance for Malignant hyperthermia, susceptibility to, 1. Last evaluated: 2023-06-27. Review status: criteria provided, single submitter. Criteria: ACMG Guidelines, 2015. Collection method: clinical testing. Allele origin: unknown.

Labcorp Genetics (formerly Invitae), Labcorp
Classification: Uncertain significance for RYR1-related disorder. Last evaluated: 2022-06-20. Review status: criteria provided, single submitter. Criteria: Invitae Variant Classification Sherloc (09022015). Collection method: clinical testing. Allele origin: germline.
Comment: In summary, the available evidence is currently insufficient to determine the role of this variant in disease. Therefore, it has been classified as a Variant of Uncertain Significance. Advanced modeling of protein sequence and biophysical properties (such as structural, functional, and spatial information, amino acid conservation, physicochemical variation, residue mobility, and thermodynamic stability) performed at Invitae indicates that this missense variant is expected to disrupt RYR1 protein function. ClinVar contains an entry for this variant (Variation ID: 1000444). This variant has not been reported in the literature in individuals affected with RYR1-related conditions. This variant is not present in population databases (gnomAD no frequency). This sequence change replaces glutamic acid, which is acidic and polar, with lysine, which is basic and polar, at codon 2915 of the RYR1 protein (p.Glu2915Lys).